The following is an entry in ClinVar:

NM_001197104.2(KMT2A):c.8119C>T (p.Arg2707Trp)

Gene: KMT2A (lysine methyltransferase 2A; plus strand). Cytogenetic location: 11q23.3.
Variant type: single nucleotide variant.
Coding change: c.8119C>T on transcript NM_001197104.2 (MANE Select); coding-DNA position 8119, C replaced by T.
Protein change: p.Arg2707Trp; replaces arginine 2707 with tryptophan.
Molecular consequence: missense variant.
Genome position (GRCh38, 1-based): chr11:118,504,011, C>T. VCF-style: chr11-118504011-C-T. GRCh37 (hg19) VCF-style: chr11-118374726-C-T.
Other names: c.8110C>T, p.Arg2704Trp (NM_005933.4); short protein forms R2707W, R2704W.
Identifiers: ClinVar variation 1409656 (VCV001409656.6), dbSNP rs1437799270, ClinGen allele CA382808751.

ClinVar aggregate classification (germline): Uncertain significance (1 of 4 stars; one submission).

Allele frequency attached by ClinVar (database versions not stated): TOPMed 0.00001; gnomAD 0.00002; gnomAD exomes below 0.00001 and 0.00001.
gnomAD v4.1: 16 of 1,613,932 alleles (0.00099%); highest among the groups gnomAD compares: Admixed American, 0.0033%; no homozygotes.

Submission:

Labcorp Genetics (formerly Invitae), Labcorp
Classification: Uncertain significance. Last evaluated: 2025-12-16. Review status: criteria provided, single submitter. Criteria: Invitae Variant Classification Sherloc (09022015). Collection method: clinical testing. Allele origin: germline.
Comment: This sequence change replaces arginine, which is basic and polar, with tryptophan, which is neutral and slightly polar, at codon 2707 of the KMT2A protein (p.Arg2707Trp). This variant is present in population databases (no rsID available, gnomAD 0.003%). This variant has not been reported in the literature in individuals affected with KMT2A-related conditions. ClinVar contains an entry for this variant (Variation ID: 1409656). Invitae Evidence Modeling of protein sequence and biophysical properties (such as structural, functional, and spatial information, amino acid conservation, physicochemical variation, residue mobility, and thermodynamic stability) indicates that this missense variant is not expected to disrupt KMT2A protein function with a negative predictive value of 95%. In summary, the available evidence is currently insufficient to determine the role of this variant in disease. Therefore, it has been classified as a Variant of Uncertain Significance.